The following is an entry in ClinVar:

ClinVar aggregate classification (germline): Uncertain significance (1 of 4 stars; one submission).

Conditions:
Cardiovascular phenotype. Identifiers: MedGen CN230736.

gnomAD v4.1: 1 of 1,614,190 alleles (0.000062%); highest among the groups gnomAD compares: Non-Finnish European, 0.000085%; no homozygotes.

Submission:

Ambry Genetics
Classification: Uncertain significance for Cardiovascular phenotype. Last evaluated: 2020-03-18. Review status: criteria provided, single submitter. Criteria: Ambry Variant Classification Scheme 2023. Collection method: clinical testing. Allele origin: germline.
Comment: The c.750-2A>G intronic variant results from an A to G substitution two nucleotides upstream from coding exon 2 in the ALPK3 gene. This nucleotide position is highly conserved in available vertebrate species. In silico splice analysis predicts that this alteration will significantly weaken the native splice acceptor site. Alterations that disrupt the canonical splice site are expected to cause aberrant splicing, resulting in an abnormal protein or a transcript that is subject to nonsense-mediated mRNA decay. However, direct evidence is unavailable, and skipping of the impacted exon would result in an in-frame deletion with unknown functional impact. Since supporting evidence is limited at this time, the clinical significance of this alteration is unclear.

NM_020778.5(ALPK3):c.144-2A>G

Gene: ALPK3 (alpha kinase 3; plus strand). Cytogenetic location: 15q25.3.
Variant type: single nucleotide variant.
Coding change: c.144-2A>G on transcript NM_020778.5 (MANE Select); the canonical splice acceptor site of the intron before coding-DNA position 144, A replaced by G.
Molecular consequence: splice acceptor variant.
Genome position (GRCh38, 1-based): chr15:84,823,328, A>G. VCF-style: chr15-84823328-A-G. GRCh37 (hg19) VCF-style: chr15-85366559-A-G.
Identifiers: ClinVar variation 1759223 (VCV001759223.2), dbSNP rs1162678039, ClinGen allele CA393370093.